The following is an entry in ClinVar:

ClinVar aggregate classification (germline): Uncertain significance (0 of 4 stars; one submission).

Conditions:
SEMA3G-related disorder. Also called: SEMA3G-related condition.

Submission:

PreventionGenetics, part of Exact Sciences
Classification: Uncertain significance for SEMA3G-related condition. Last evaluated: 2024-08-05. Review status: no assertion criteria provided. Collection method: clinical testing. Allele origin: germline.
Comment: The SEMA3G c.2183G>A variant is predicted to result in the amino acid substitution p.Arg728His. To our knowledge, this variant has not been reported in the literature. This variant is reported in 0.075% of alleles in individuals of South Asian descent in gnomAD. Although we suspect that this variant may be benign, at this time, the clinical significance of this variant is uncertain due to the absence of conclusive functional and genetic evidence.

NM_020163.3(SEMA3G):c.2183G>A (p.Arg728His)

Gene: SEMA3G (semaphorin 3G; minus strand). Cytogenetic location: 3p21.1.
Variant type: single nucleotide variant.
Coding change: c.2183G>A on transcript NM_020163.3 (MANE Select); coding-DNA position 2183, G replaced by A.
Protein change: p.Arg728His; replaces arginine 728 with histidine.
Molecular consequence: missense variant.
Genome position (GRCh38, 1-based): chr3:52,435,769, C>T on the plus strand (G>A on the coding strand, the complement: SEMA3G is on the minus strand). VCF-style: chr3-52435769-C-T. GRCh37 (hg19) VCF-style: chr3-52469785-C-T.
Other names: short protein forms R728H.
Identifiers: ClinVar variation 3351885 (VCV003351885.1).